The following is an entry in ClinVar:

NM_001254.4(CDC6):c.949G>A (p.Ala317Thr)

Gene: CDC6 (cell division cycle 6; plus strand). Cytogenetic location: 17q21.2.
Variant type: single nucleotide variant.
Coding change: c.949G>A on transcript NM_001254.4 (MANE Select); coding-DNA position 949, G replaced by A.
Protein change: p.Ala317Thr; replaces alanine 317 with threonine.
Molecular consequence: missense variant.
Genome position (GRCh38, 1-based): chr17:40,294,369, G>A. VCF-style: chr17-40294369-G-A. GRCh37 (hg19) VCF-style: chr17-38450621-G-A.
Other names: short protein forms A317T.
Identifiers: ClinVar variation 1054148 (VCV001054148.9), dbSNP rs2143088141, ClinGen allele CA399330489.
Genomic context (GRCh38, chr17:40,294,369, plus strand): 5'-GTTTTCCCTTTAGGATAATTTGACCAATGATCAATGTTGTTGATCTCCTCCTTAGGTATT[G>A]CTAATACCCTGGATCTCACAGATAGAATTCTACCTAGGCTTCAAGCTAGAGAAAAATGTA-3'
Protein context (NP_001245.1, residues 307-327): SNSHLVLIGI[Ala317Thr]NTLDLTDRIL

ClinVar aggregate classification (germline): Uncertain significance (1 of 4 stars; one submission).

Submission:

Labcorp Genetics (formerly Invitae), Labcorp
Classification: Uncertain significance. Last evaluated: 2020-03-05. Review status: criteria provided, single submitter. Criteria: Invitae Variant Classification Sherloc (09022015). Collection method: clinical testing. Allele origin: germline.
Comment: This sequence change replaces alanine with threonine at codon 317 of the CDC6 protein (p.Ala317Thr). The alanine residue is highly conserved and there is a small physicochemical difference between alanine and threonine. This variant is not present in population databases (ExAC no frequency). This variant has not been reported in the literature in individuals with CDC6-related conditions. Algorithms developed to predict the effect of missense changes on protein structure and function (SIFT, PolyPhen-2, Align-GVGD) all suggest that this variant is likely to be disruptive, but these predictions have not been confirmed by published functional studies and their clinical significance is uncertain. In summary, the available evidence is currently insufficient to determine the role of this variant in disease. Therefore, it has been classified as a Variant of Uncertain Significance.